The following is an entry in ClinVar:

NM_002354.3(EPCAM):c.655G>T (p.Asp219Tyr)

Gene: EPCAM (epithelial cell adhesion molecule; plus strand). Cytogenetic location: 2p21.
Variant type: single nucleotide variant.
Coding change: c.655G>T on transcript NM_002354.3 (MANE Select); coding-DNA position 655, G replaced by T.
Protein change: p.Asp219Tyr; replaces aspartic acid 219 with tyrosine.
Molecular consequence: missense variant.
Genome position (GRCh38, 1-based): chr2:47,379,052, G>T. VCF-style: chr2-47379052-G-T. GRCh37 (hg19) VCF-style: chr2-47606191-G-T.
Other names: short protein forms D219Y.
Identifiers: ClinVar variation 3509153 (VCV003509153.1).
Genomic context (GRCh38, chr2:47,379,052, plus strand): 5'-TCTTCTCAAAAAACTCAGAATGATGTGGACATAGCTGATGTGGCTTATTATTTTGAAAAA[G>T]ATGTGAGTATCATCTTCTTTATTCCTGTGTTCAGGAATGTAGTCTATCATGCCTCAATGA-3'
Protein context (NP_002345.2, residues 209-229): IADVAYYFEK[Asp219Tyr]VKGESLFHSK

ClinVar aggregate classification (germline): Uncertain significance (1 of 4 stars; one submission).

Conditions:
Hereditary cancer-predisposing syndrome. Also called: Tumor predisposition; Neoplastic Syndromes, Hereditary; Hereditary Cancer Syndrome; Hereditary neoplastic syndrome. Identifiers: Orphanet 140162, MedGen C0027672, MeSH D009386, MONDO:0015356.

Submission:

Ambry Genetics
Classification: Uncertain significance for Hereditary cancer-predisposing syndrome. Last evaluated: 2024-08-05. Review status: criteria provided, single submitter. Criteria: Ambry Variant Classification Scheme 2023. Collection method: clinical testing. Allele origin: germline.
Comment: The p.D219Y variant (also known as c.655G>T), located in coding exon 6 of the EPCAM gene, results from a G to T substitution at nucleotide position 655. The aspartic acid at codon 219 is replaced by tyrosine, an amino acid with highly dissimilar properties. This amino acid position is conserved. In addition, this alteration is predicted to be deleterious by in silico analysis. Based on the available evidence, the clinical significance of this variant remains unclear.